The following is an entry in ClinVar:

ClinVar aggregate classification (germline): Uncertain significance. Review status: criteria provided, multiple submitters, no conflicts (2 of 4 stars). 4 submissions from 4 submitters: Uncertain significance (4). Last evaluated 2026-09-11.

Conditions:
Cardiovascular phenotype. Identifiers: MedGen CN230736.
Cardiomyopathy (CMYO). Also called: Cardiomyopathies. Identifiers: Orphanet 167848, MedGen C0878544, MONDO:0004994, HP:0001638. Inheritance: Various modes of inheritance.
Hypertrophic cardiomyopathy. Also called: HYPERTROPHIC MYOCARDIOPATHY. Identifiers: Orphanet 217569, MedGen C0007194, MeSH D002312, MONDO:0005045, HP:0001639.

Allele frequency attached by ClinVar (database versions not stated): gnomAD exomes below 0.00001; gnomAD 0.00002.
gnomAD v4.1: 4 of 1,560,676 alleles (0.00026%); highest among the groups gnomAD compares: Admixed American, 0.0057%; no homozygotes.

Submissions (4):

Ambry Genetics
Classification: Uncertain significance for Cardiovascular phenotype. Last evaluated: 2026-09-11. Review status: criteria provided, single submitter. Criteria: Ambry Variant Classification Scheme 2023. Collection method: clinical testing. Allele origin: germline.
Comment: The p.P147S variant (also known as c.439C>T), located in coding exon 4 of the MYBPC3 gene, results from a C to T substitution at nucleotide position 439. The proline at codon 147 is replaced by serine, an amino acid with similar properties. This amino acid position is conserved. In addition, this alteration is predicted to be tolerated by in silico analysis. Based on the available evidence, the clinical significance of this variant remains unclear.

Blueprint Genetics
Classification: Uncertain significance. Last evaluated: 2024-05-16. Review status: criteria provided, single submitter. Criteria: ACMG Guidelines, 2015. Collection method: clinical testing. Allele origin: germline.

Color Diagnostics, LLC DBA Color Health
Classification: Uncertain significance for Cardiomyopathy. Last evaluated: 2023-12-05. Review status: criteria provided, single submitter. Criteria: ACMG Guidelines, 2015. Collection method: clinical testing. Allele origin: germline.
Comment: Variant of Uncertain Significance due to insufficient evidence: This missense variant is located in the proline-rich domain of the MYBPC3 protein. Computational prediction tools and conservation analyses suggest that this variant may not impact the protein function. Computational splicing tools suggest that this variant may not impact RNA splicing. To our knowledge, functional assays have not been performed for this variant nor has this variant been reported in individuals affected with cardiovascular disorders in the literature. This variant is rare in the general population and has been identified in 0/277264 chromosomes by the Genome Aggregation Database (gnomAD). Available evidence is insufficient to determine the role of this variant in disease conclusively.

Labcorp Genetics (formerly Invitae), Labcorp
Classification: Uncertain significance for Hypertrophic cardiomyopathy. Last evaluated: 2023-07-19. Review status: criteria provided, single submitter. Criteria: Invitae Variant Classification Sherloc (09022015). Collection method: clinical testing. Allele origin: germline.
Comment: Algorithms developed to predict the effect of missense changes on protein structure and function output the following: SIFT: "Not Available"; PolyPhen-2: "Benign"; Align-GVGD: "Not Available". The serine amino acid residue is found in multiple mammalian species, which suggests that this missense change does not adversely affect protein function. In summary, the available evidence is currently insufficient to determine the role of this variant in disease. Therefore, it has been classified as a Variant of Uncertain Significance. ClinVar contains an entry for this variant (Variation ID: 845435). This variant has not been reported in the literature in individuals affected with MYBPC3-related conditions. The frequency data for this variant in the population databases is considered unreliable, as metrics indicate poor data quality at this position in the gnomAD database. This sequence change replaces proline, which is neutral and non-polar, with serine, which is neutral and polar, at codon 147 of the MYBPC3 protein (p.Pro147Ser).

NM_000256.3(MYBPC3):c.439C>T (p.Pro147Ser)

Gene: MYBPC3 (myosin binding protein C3; minus strand). Cytogenetic location: 11p11.2.
Variant type: single nucleotide variant.
Coding change: c.439C>T on transcript NM_000256.3 (MANE Select); coding-DNA position 439, C replaced by T.
Protein change: p.Pro147Ser; replaces proline 147 with serine.
Molecular consequence: missense variant.
Genome position (GRCh38, 1-based): chr11:47,350,080, G>A on the plus strand (C>T on the coding strand, the complement: MYBPC3 is on the minus strand). VCF-style: chr11-47350080-G-A. GRCh37 (hg19) VCF-style: chr11-47371631-G-A.
Other names: short protein forms P147S.
Identifiers: ClinVar variation 845435 (VCV000845435.17), dbSNP rs1204042102, ClinGen allele CA380338858.